The following is an entry in ClinVar:

NM_018136.5(ASPM):c.4556A>G (p.Lys1519Arg)

Gene: ASPM (assembly factor for spindle microtubules; minus strand). Cytogenetic location: 1q31.3.
Variant type: single nucleotide variant.
Coding change: c.4556A>G on transcript NM_018136.5 (MANE Select); coding-DNA position 4556, A replaced by G.
Protein change: p.Lys1519Arg; replaces lysine 1519 with arginine.
Molecular consequence: missense variant. On other transcripts: intron variant (1).
Genome position (GRCh38, 1-based): chr1:197,104,695, T>C on the plus strand (A>G on the coding strand, the complement: ASPM is on the minus strand). VCF-style: chr1-197104695-T-C. GRCh37 (hg19) VCF-style: chr1-197073825-T-C.
Other names: c.4066-8531A>G (NM_001206846.2); short protein forms K1519R.
Identifiers: ClinVar variation 1912821 (VCV001912821.7), dbSNP rs1330465142, ClinGen allele CA344029772.

ClinVar aggregate classification (germline): Uncertain significance. Review status: criteria provided, multiple submitters, no conflicts (2 of 4 stars). 3 submissions from 3 submitters: Uncertain significance (3). Last evaluated 2025-04-16.

Conditions:
Microcephaly 5, primary, autosomal recessive (MCPH5). Also called: ASPM Primary Microcephaly. Identifiers: Orphanet 2512, MedGen C1837501, MONDO:0012106, OMIM 608716.
Inborn genetic diseases. Identifiers: MedGen C0950123, MeSH D030342.

Allele frequency attached by ClinVar (database versions not stated): TOPMed 0.00001; gnomAD exomes 0.00002.
gnomAD v4.1: 25 of 1,613,038 alleles (0.0015%); highest among the groups gnomAD compares: East Asian, 0.056%; no homozygotes.

Submissions (3):

Labcorp Genetics (formerly Invitae), Labcorp
Classification: Uncertain significance. Last evaluated: 2025-04-16. Review status: criteria provided, single submitter. Criteria: Invitae Variant Classification Sherloc (09022015). Collection method: clinical testing. Allele origin: germline.
Comment: This sequence change replaces lysine, which is basic and polar, with arginine, which is basic and polar, at codon 1519 of the ASPM protein (p.Lys1519Arg). This variant is present in population databases (no rsID available, gnomAD 0.01%). This variant has not been reported in the literature in individuals affected with ASPM-related conditions. ClinVar contains an entry for this variant (Variation ID: 1912821). Invitae Evidence Modeling of protein sequence and biophysical properties (such as structural, functional, and spatial information, amino acid conservation, physicochemical variation, residue mobility, and thermodynamic stability) indicates that this missense variant is not expected to disrupt ASPM protein function with a negative predictive value of 80%. In summary, the available evidence is currently insufficient to determine the role of this variant in disease. Therefore, it has been classified as a Variant of Uncertain Significance.

Genome-Nilou Lab
Classification: Uncertain significance for Microcephaly 5, primary, autosomal recessive. Last evaluated: 2023-04-11. Review status: criteria provided, single submitter. Criteria: ACMG Guidelines, 2015. Collection method: clinical testing. Allele origin: germline. Affected: no.

Ambry Genetics
Classification: Uncertain significance for Inborn genetic diseases. Last evaluated: 2022-05-13. Review status: criteria provided, single submitter. Criteria: Ambry Variant Classification Scheme 2023. Collection method: clinical testing. Allele origin: germline.